The following is an entry in ClinVar:

ClinVar aggregate classification (germline): Benign (1 of 4 stars; one submission).

Conditions:
Leigh syndrome (NULS). Also called: Leigh's necrotizing encephalopathy; Leigh's disease; Leigh Syndrome (mtDNA deletion); Leigh Disease; Subacute necrotizing encephalopathy; Necrotizing encephalopathy infantile subacute of Leigh. Identifiers: Orphanet 506, MedGen C2931891, MONDO:0009723, OMIM 256000.

Submission:

Wong Mito Lab, Molecular and Human Genetics, Baylor College of Medicine
Classification: Benign for Leigh syndrome. Last evaluated: 2019-10-17. Review status: criteria provided, single submitter. Criteria: Modified ACMG Guidelines (Unpublished). Collection method: clinical testing. Allele origin: germline.
Comment: The NC_012920.1:m.8502A>G (YP_003024030.1:p.Asn46Ser) variant in MTATP8 gene is interpretated to be a Benign variant based on the modified ACMG guidelines (unpublished). This variant meets the following evidence codes: BS1, BS4

NC_012920.1(MT-ATP8):m.8502A>G

Gene: MT-ATP8 (mitochondrially encoded ATP synthase 8; plus strand).
Variant type: single nucleotide variant.
Genome position: chrM-8502-A-G.
Identifiers: ClinVar variation 692878 (VCV000692878.1), dbSNP rs879247004, ClinGen allele CA337097903.
Genomic context (GRCh38, chrMT:8,502, plus strand): 5'-TAAAAATATTAAACACAAACTACCACCTACCTCCCTCACCAAAGCCCATAAAAATAAAAA[A>G]TTATAACAAACCCTGAGAACCAAAATGAACGAAAATCTGTTCGCTTCATTCATTGCCCCC-3'